The following is an entry in ClinVar:

ClinVar aggregate classification (germline): Pathogenic (1 of 4 stars; one submission).

Submission:

Labcorp Genetics (formerly Invitae), Labcorp
Classification: Pathogenic. Last evaluated: 2024-02-26. Review status: criteria provided, single submitter. Criteria: Invitae Variant Classification Sherloc (09022015). Collection method: clinical testing. Allele origin: germline.
Comment: This sequence change creates a premature translational stop signal (p.Ile402Serfs*72) in the CYP27B1 gene. While this is not anticipated to result in nonsense mediated decay, it is expected to disrupt the last 107 amino acid(s) of the CYP27B1 protein. This variant is not present in population databases (gnomAD no frequency). This variant has not been reported in the literature in individuals affected with CYP27B1-related conditions. This variant disrupts a region of the CYP27B1 protein in which other variant(s) (p.Arg492Trp) have been determined to be pathogenic (PMID: 22588163, 30282619). This suggests that this is a clinically significant region of the protein, and that variants that disrupt it are likely to be disease-causing. For these reasons, this variant has been classified as Pathogenic.

Literature cited by the submitters: PubMed 22588163; PubMed 30282619.

NM_000785.4(CYP27B1):c.1204del (p.Ile402fs)

Gene: CYP27B1 (cytochrome P450 family 27 subfamily B member 1; minus strand). Cytogenetic location: 12q14.1.
Variant type: Deletion.
Coding change: c.1204del on transcript NM_000785.4 (MANE Select); coding-DNA position 1204, one base deleted (A; older notation c.1204delA).
Protein change: p.Ile402fs; shifts the reading frame from isoleucine 402.
Molecular consequence: frameshift variant.
Genome position (GRCh38, 1-based): chr12:57,764,109, T deleted on the plus strand (A on the coding strand, the reverse complement: CYP27B1 is on the minus strand). VCF-style (leftmost placement, unchanged base first): chr12-57764108-AT-A. GRCh37 (hg19) VCF-style: chr12-58157891-AT-A.
Other names: short protein forms I402fs.
Identifiers: ClinVar variation 3643372 (VCV003643372.2).
Genomic context (GRCh38, chr12:57,764,108, plus strand): 5'-CAAGATAGTGAGGAATGGCTCAGTAGAAAGGGTGCATAGGCTTTACTCACATTTTTGGGG[AT>A]AATATAGTCACCCACATGAATGTCTTTGTCTGGGACACGAGAATTTCCAGGTACCACAGG-3'